The following is an entry in ClinVar:

NM_000051.4(ATM):c.3827A>G (p.Gln1276Arg)

Gene: ATM (ATM serine/threonine kinase; plus strand). Cytogenetic location: 11q22.3.
Variant type: single nucleotide variant.
Coding change: c.3827A>G on transcript NM_000051.4 (MANE Select); coding-DNA position 3827, A replaced by G.
Protein change: p.Gln1276Arg; replaces glutamine 1276 with arginine.
Molecular consequence: missense variant.
Genome position (GRCh38, 1-based): chr11:108,284,307, A>G. VCF-style: chr11-108284307-A-G. GRCh37 (hg19) VCF-style: chr11-108155034-A-G.
Other names: c.3827A>G, p.Gln1276Arg (NM_001351834.2); short protein forms Q1276R.
Identifiers: ClinVar variation 631008 (VCV000631008.10), dbSNP rs770183693, ClinGen allele CA382524931.
Genomic context (GRCh38, chr11:108,284,307, plus strand): 5'-TTCCACATCTGGTGATTAGAAGTCATTTTGATGAGGTGAAGTCCATTGCTAATCAGATTC[A>G]AGAGGACTGGAAAAGTCTTCTAACAGACTGCTTTCCAAAGATTCTTGTAAATATTCTTCC-3'
Protein context (NP_000042.3, residues 1266-1286): DEVKSIANQI[Gln1276Arg]EDWKSLLTDC

ClinVar aggregate classification (germline): Uncertain significance. Review status: criteria provided, multiple submitters, no conflicts (2 of 4 stars). 4 submissions from 4 submitters: Uncertain significance (4). Last evaluated 2025-03-04.

Conditions:
Hereditary cancer-predisposing syndrome. Also called: Hereditary Cancer Syndrome; Neoplastic Syndromes, Hereditary; Tumor predisposition; Hereditary neoplastic syndrome. Identifiers: Orphanet 140162, MedGen C0027672, MeSH D009386, MONDO:0015356.
Ataxia-telangiectasia syndrome (AT). Also called: Ataxia-telangiectasia, complementation group D; AT, COMPLEMENTATION GROUP C; Ataxia-telangiectasia; ATAXIA-TELANGIECTASIA, COMPLEMENTATION GROUP A; ATAXIA-TELANGIECTASIA, FRESNO VARIANT; LOUIS-BAR SYNDROME. Identifiers: Orphanet 100, MedGen C0004135, MONDO:0008840, OMIM 208900.

Submissions (4):

Center for Genomic Medicine, Rigshospitalet, Copenhagen University Hospital
Classification: Uncertain significance. Last evaluated: 2025-03-04. Review status: criteria provided, single submitter. Criteria: ACMG Guidelines, 2015. Collection method: clinical testing. Allele origin: germline.

Labcorp Genetics (formerly Invitae), Labcorp
Classification: Uncertain significance for Ataxia-telangiectasia syndrome. Last evaluated: 2024-09-03. Review status: criteria provided, single submitter. Criteria: Invitae Variant Classification Sherloc (09022015). Collection method: clinical testing. Allele origin: germline.
Comment: This sequence change replaces glutamine, which is neutral and polar, with arginine, which is basic and polar, at codon 1276 of the ATM protein (p.Gln1276Arg). This variant is not present in population databases (gnomAD no frequency). This variant has not been reported in the literature in individuals affected with ATM-related conditions. ClinVar contains an entry for this variant (Variation ID: 631008). An algorithm developed to predict the effect of missense changes on protein structure and function (PolyPhen-2) suggests that this variant is likely to be tolerated. In summary, the available evidence is currently insufficient to determine the role of this variant in disease. Therefore, it has been classified as a Variant of Uncertain Significance.

Ambry Genetics
Classification: Uncertain significance for Hereditary cancer-predisposing syndrome. Last evaluated: 2024-03-23. Review status: criteria provided, single submitter. Criteria: Ambry Variant Classification Scheme 2023. Collection method: clinical testing. Allele origin: germline.
Comment: The p.Q1276R variant (also known as c.3827A>G), located in coding exon 25 of the ATM gene, results from an A to G substitution at nucleotide position 3827. The glutamine at codon 1276 is replaced by arginine, an amino acid with highly similar properties. This amino acid position is conserved. In addition, this alteration is predicted to be tolerated by in silico analysis. Based on the available evidence, the clinical significance of this alteration remains unclear.

Color Diagnostics, LLC DBA Color Health
Classification: Uncertain significance for Hereditary cancer-predisposing syndrome. Last evaluated: 2023-12-05. Review status: criteria provided, single submitter. Criteria: ACMG Guidelines, 2015. Collection method: clinical testing. Allele origin: germline.
Comment: This missense variant replaces glutamine with arginine at codon 1276 of the ATM protein. Computational prediction suggests that this variant may not impact protein structure and function (internally defined REVEL score threshold <= 0.5, PMID: 27666373). To our knowledge, functional studies have not been reported for this variant. This variant has not been reported in individuals affected with ATM-related disorders in the literature. This variant has not been identified in the general population by the Genome Aggregation Database (gnomAD). The available evidence is insufficient to determine the role of this variant in disease conclusively. Therefore, this variant is classified as a Variant of Uncertain Significance.